The following is an entry in ClinVar:

NM_006306.4(SMC1A):c.*14C>T

Gene: SMC1A (structural maintenance of chromosomes 1A; minus strand). Cytogenetic location: Xp11.22.
Variant type: single nucleotide variant.
Coding change: c.*14C>T on transcript NM_006306.4 (MANE Select); 14 bases downstream of the stop codon, C replaced by T.
Molecular consequence: 3 prime UTR variant.
Genome position (GRCh38, 1-based): chrX:53,380,089, G>A on the plus strand (C>T on the coding strand, the complement: SMC1A is on the minus strand). VCF-style: chrX-53380089-G-A. GRCh37 (hg19) VCF-style: chrX-53407010-G-A.
Other names: c.*14C>T (NM_001281463.1).
Identifiers: ClinVar variation 159937 (VCV000159937.11), dbSNP rs112727682, ClinGen allele CA173504.

ClinVar aggregate classification (germline): Conflicting classifications of pathogenicity. Review status: criteria provided, conflicting classifications (1 of 4 stars). 2 submissions from 2 submitters: Uncertain significance (1); Benign (1). Last evaluated 2013-02-08.

Conditions:
History of neurodevelopmental disorder. Identifiers: MedGen C2711754.

Allele frequency attached by ClinVar (database versions not stated): gnomAD exomes 0.00429 and 0.00579; gnomAD 0.00435 and 0.00436; ExAC 0.00451; TOPMed 0.00452; ESP Exome Variant Server 0.00615; 1000 Genomes Project 30x 0.00312; 1000 Genomes Project 0.00344.
gnomAD v4.1: 6,598 of 1,168,433 alleles (0.56%); highest among the groups gnomAD compares: Middle Eastern, 1.4%; 10 homozygotes.

Submissions (2):

Genetic Services Laboratory, University of Chicago
Classification: Benign. Last evaluated: 2013-02-08. Review status: criteria provided, single submitter. Criteria: ACMG Guidelines, 2007. Collection method: clinical testing. Allele origin: germline. Inheritance: X-linked inheritance.

Ambry Genetics
Classification: Uncertain significance for History of neurodevelopmental disorder. Last evaluated: 2013-01-10. Review status: criteria provided, single submitter. Criteria: Ambry Autosomal Dominant and X-Linked criteria (10/2015). Collection method: clinical testing. Allele origin: germline. Observed: 1 variant allele.
Comment: There is insufficient or conflicting evidence for classification of this alteration.